The following is an entry in ClinVar:

NM_001350451.2(RBFOX3):c.343T>C (p.Leu115=)

Gene: RBFOX3 (RNA binding fox-1 homolog 3; minus strand). Cytogenetic location: 17q25.3.
Variant type: single nucleotide variant.
Coding change: c.343T>C on transcript NM_001350451.2 (MANE Select); coding-DNA position 343, T replaced by C.
Protein change: p.Leu115=; no amino-acid change (leucine 115 retained).
Molecular consequence: synonymous variant.
Genome position (GRCh38, 1-based): chr17:79,106,668, A>G on the plus strand (T>C on the coding strand, the complement: RBFOX3 is on the minus strand). VCF-style: chr17-79106668-A-G. GRCh37 (hg19) VCF-style: chr17-77102750-A-G.
Other names: c.343T>C, p.Leu115= (NM_001385824.1, NM_001385825.1, NM_001385826.1 and 36 more transcripts); c.340T>C, p.Leu114= (NM_001385843.1, NM_001385844.1, NM_001385845.1 and 4 more transcripts); c.343T>C (NM_001082575.2).
Identifiers: ClinVar variation 1100274 (VCV001100274.11), dbSNP rs779066017, ClinGen allele CA8810319.
Genomic context (GRCh38, chr17:79,106,668, plus strand): 5'-GGCAGGTGTGGAGGGCAGGATGGGTGGGGCCGCGCACACTCACCCCGAACATTTGCCGCA[A>G]GTCGGGGTCCCTGAACCGGAAGGGGATGTTGGAGACGTGTAGCCGCTTGGGCTGCTGCTT-3'
Protein context (NP_001337380.1, residues 105-125): NIPFRFRDPD[Leu115=]RQMFGQFGKI

ClinVar aggregate classification (germline): Likely benign. Review status: criteria provided, single submitter (1 of 4 stars). 2 submissions from 2 submitters: Likely benign (1). 1 of the submissions does not count toward it. Last evaluated 2025-12-15.

Conditions:
Idiopathic generalized epilepsy. Also called: Generalised epilepsy; EIG. Identifiers: MedGen C0270850, MONDO:0005579, OMIM 600669.
RBFOX3-related disorder. Also called: RBFOX3-related condition.

Allele frequency attached by ClinVar (database versions not stated): gnomAD 0.00007 and 0.00009; gnomAD exomes 0.00015 and 0.00013; ExAC 0.00005.
gnomAD v4.1: 178 of 1,482,524 alleles (0.012%); highest among the groups gnomAD compares: Admixed American, 0.034%; no homozygotes.

Submissions (2):

Labcorp Genetics (formerly Invitae), Labcorp
Classification: Likely benign for Idiopathic generalized epilepsy. Last evaluated: 2025-12-15. Review status: criteria provided, single submitter. Criteria: Invitae Variant Classification Sherloc (09022015). Collection method: clinical testing. Allele origin: germline.

PreventionGenetics, part of Exact Sciences
Classification: Likely benign for RBFOX3-related condition. Last evaluated: 2019-11-06. Review status: no assertion criteria provided. Collection method: clinical testing. Allele origin: germline. Not counted in ClinVar's aggregate classification.
Comment: This variant is classified as likely benign based on ACMG/AMP sequence variant interpretation guidelines (Richards et al. 2015 PMID: 25741868, with internal and published modifications).